The following is an entry in ClinVar:

ClinVar aggregate classification (germline): Uncertain significance (1 of 4 stars; one submission).

Allele frequency attached by ClinVar (database versions not stated): TOPMed below 0.00001.

Submission:

Labcorp Genetics (formerly Invitae), Labcorp
Classification: Uncertain significance. Last evaluated: 2022-12-09. Review status: criteria provided, single submitter. Criteria: Invitae Variant Classification Sherloc (09022015). Collection method: clinical testing. Allele origin: germline.
Comment: This variant is not present in population databases (gnomAD no frequency). This sequence change replaces proline, which is neutral and non-polar, with serine, which is neutral and polar, at codon 1167 of the NLRP1 protein (p.Pro1167Ser). This variant has not been reported in the literature in individuals affected with NLRP1-related conditions. In summary, the available evidence is currently insufficient to determine the role of this variant in disease. Therefore, it has been classified as a Variant of Uncertain Significance. Algorithms developed to predict the effect of missense changes on protein structure and function are either unavailable or do not agree on the potential impact of this missense change (SIFT: "Tolerated"; PolyPhen-2: "Probably Damaging"; Align-GVGD: "Class C0").

NM_033004.4(NLRP1):c.3499C>T (p.Pro1167Ser)

Gene: NLRP1 (NLR family pyrin domain containing 1; minus strand). Cytogenetic location: 17p13.2.
Variant type: single nucleotide variant.
Coding change: c.3499C>T on transcript NM_033004.4 (MANE Select); coding-DNA position 3499, C replaced by T.
Protein change: p.Pro1167Ser; replaces proline 1167 with serine.
Molecular consequence: missense variant.
Genome position (GRCh38, 1-based): chr17:5,530,502, G>A on the plus strand (C>T on the coding strand, the complement: NLRP1 is on the minus strand). VCF-style: chr17-5530502-G-A. GRCh37 (hg19) VCF-style: chr17-5433822-G-A.
Other names: c.3511C>T, p.Pro1171Ser (NM_001033053.3); c.3499C>T, p.Pro1167Ser (NM_014922.5); c.3409C>T, p.Pro1137Ser (NM_033006.4, NM_033007.4); short protein forms P1171S, P1137S, P1167S.
Identifiers: ClinVar variation 2788214 (VCV002788214.3), dbSNP rs759491315, ClinGen allele CA397390380.